The following is an entry in ClinVar:

NM_000256.3(MYBPC3):c.1693A>T (p.Lys565Ter)

Gene: MYBPC3 (myosin binding protein C3; minus strand). Cytogenetic location: 11p11.2.
Variant type: single nucleotide variant.
Coding change: c.1693A>T on transcript NM_000256.3 (MANE Select); coding-DNA position 1693, A replaced by T.
Protein change: p.Lys565Ter; replaces lysine 565 with a stop codon.
Molecular consequence: nonsense.
Genome position (GRCh38, 1-based): chr11:47,342,088, T>A on the plus strand (A>T on the coding strand, the complement: MYBPC3 is on the minus strand). VCF-style: chr11-47342088-T-A. GRCh37 (hg19) VCF-style: chr11-47363639-T-A.
Other names: short protein forms K565*.
Identifiers: ClinVar variation 42560 (VCV000042560.4), dbSNP rs397515920, ClinGen allele CA010936.
Genomic context (GRCh38, chr11:47,342,088, plus strand): 5'-CCAGCTCCTTCCCATTCTTCAGCCACACACCCCGAACATTCTCATCTGAGACCTCACATT[T>A]GAACACCGCCTGGTCCTTTGCGCCCACCATCAGGTCTGCGATGCTCTGGTACACCTCCAG-3'

ClinVar aggregate classification (germline): Pathogenic (1 of 4 stars; one submission).

Conditions:
Hypertrophic cardiomyopathy. Also called: HYPERTROPHIC MYOCARDIOPATHY. Identifiers: Orphanet 217569, MedGen C0007194, MeSH D002312, MONDO:0005045, HP:0001639.

Submission:

Laboratory for Molecular Medicine, Mass General Brigham Personalized Medicine
Classification: Pathogenic for Hypertrophic cardiomyopathy. Last evaluated: 2012-05-21. Review status: criteria provided, single submitter. Criteria: LMM Criteria. Collection method: clinical testing. Allele origin: germline. Observed: 1 variant allele.
Comment: The Lys565X variant in MYBPC3 has been reported in one individual with HCM, was absent from 200 control chromosomes, and segregated with disease in 2 affected r elatives (Morner 2003). This nonsense variant leads to a premature termination c odon at position 565, which is predicted to lead to a truncated or absent protei n. Heterozygous loss of function of the MYBPC3 gene is an established disease me chanism in HCM. In summary, this variant meets our criteria to be classified as pathogenic.

Literature cited by the submitters: PubMed 12818575.